The following is an entry in ClinVar:

ClinVar aggregate classification (germline): Pathogenic/Likely pathogenic. Review status: criteria provided, multiple submitters, no conflicts (2 of 4 stars). 5 submissions from 5 submitters: Pathogenic (3); Likely pathogenic (1). 1 of the submissions does not count toward it. Last evaluated 2025-12-18.

Conditions:
Familial cancer of breast. Also called: BREAST CANCER, FAMILIAL; hereditary breast carcinoma; Hereditary breast cancer. Identifiers: Orphanet 227535, MedGen C0346153, MONDO:0016419, OMIM 114480. Disease mechanism: loss of function.
Breast-ovarian cancer, familial, susceptibility to, 5 (BROVCA5). Identifiers: MedGen C5830615, MONDO:0957530, OMIM 620442.
Hereditary cancer-predisposing syndrome. Also called: Neoplastic Syndromes, Hereditary; Hereditary neoplastic syndrome; Tumor predisposition; Hereditary Cancer Syndrome. Identifiers: Orphanet 140162, MedGen C0027672, MeSH D009386, MONDO:0015356.

Submissions (5):

Ambry Genetics
Classification: Pathogenic for Hereditary cancer-predisposing syndrome. Last evaluated: 2025-12-18. Review status: criteria provided, single submitter. Criteria: Ambry Variant Classification Scheme 2023. Collection method: clinical testing. Allele origin: germline.
Comment: The c.3425delT pathogenic mutation, located in coding exon 13 of the PALB2 gene, results from a deletion of one nucleotide at nucleotide position 3425, causing a translational frameshift with a predicted alternate stop codon (p.L1142Yfs*21). This alteration occurs at the 3' terminus of thePALB2 gene, is not expected to trigger nonsense-mediated mRNA decay, and impacts the last 45 amino acids of the protein. However, premature stop codons are typically deleterious in nature and the impacted region is critical for protein function (Ambry internal data). This variant is considered to be rare based on population cohorts in the Genome Aggregation Database (gnomAD). Based on the supporting evidence, this alteration is interpreted as a disease-causing mutation.

Labcorp Genetics (formerly Invitae), Labcorp
Classification: Pathogenic for Familial cancer of breast. Last evaluated: 2025-12-01. Review status: criteria provided, single submitter. Criteria: Invitae Variant Classification Sherloc (09022015). Collection method: clinical testing. Allele origin: germline.
Comment: This sequence change creates a premature translational stop signal (p.Leu1142Tyrfs*21) in the PALB2 gene. While this is not anticipated to result in nonsense mediated decay, it is expected to disrupt the last 45 amino acid(s) of the PALB2 protein. This variant is not present in population databases (gnomAD no frequency). This premature translational stop signal has been observed in individuals with Fanconi anemia or breast cancer (PMID: 26968956, 28975465). ClinVar contains an entry for this variant (Variation ID: 371840). This variant disrupts a region of the PALB2 protein in which other variant(s) (p.Tyr1183*) have been determined to be pathogenic (PMID: 17200671). This suggests that this is a clinically significant region of the protein, and that variants that disrupt it are likely to be disease-causing. For these reasons, this variant has been classified as Pathogenic.

Revvity Omics, Revvity
Classification: Pathogenic. Last evaluated: 2025-07-29. Review status: criteria provided, single submitter. Criteria: ACMG Guidelines, 2015. Collection method: clinical testing. Allele origin: germline.

KCCC/NGS Laboratory, Kuwait Cancer Control Center
Classification: Likely pathogenic for Breast-ovarian cancer, familial, susceptibility to, 5. Last evaluated: 2023-07-07. Review status: criteria provided, single submitter. Criteria: ACMG Guidelines, 2015. Collection method: clinical testing. Allele origin: unknown. Affected: yes.
Comment: This sequence change results in a premature translational stop signal in the PALB2 gene (p.Leu1142Tyrfs*21). While this is not anticipated to result in nonsense mediated decay, it is expected to disrupt the last 45 amino acids of the PALB2 protein. This variant is not present in population databases gnomAD genomes. This variant has been observed in individuals affected with Fanconi anemia and breast cancer (PMID: 26968956, 28975465). ClinVar contains an entry for this variant (Variation ID: 371840) with 2 submissions describing this variant as either pathogenic or likely pathogenic. This frameshift is located within the WD40- repeat domain of the PALB2 protein, which is involved in BRCA2 binding (PMID: 19609323). This variant disrupts amino acid residues expected to be essential for PALB2 protein function, since a downstream truncation (p.Tyr1183*), that only deletes the final 4 amino acid residues results in a nonfunctional PALB2 protein (PMID: 17200671). Therefore, this variant has been classified as likely pathogenic.

Counsyl
Classification: Likely pathogenic for Familial cancer of breast. Last evaluated: 2016-04-28. Review status: no assertion criteria provided. Collection method: clinical testing. Allele origin: unknown. Not counted in ClinVar's aggregate classification.

Literature cited by the submitters: PubMed 26968956 (cited by Ambry Genetics and Labcorp Genetics (formerly Invitae), Labcorp); PubMed 28975465 (cited by Labcorp Genetics (formerly Invitae), Labcorp); PubMed 17200671 (cited by Labcorp Genetics (formerly Invitae), Labcorp).

NM_024675.4(PALB2):c.3425del (p.Leu1142fs)

Gene: PALB2 (partner and localizer of BRCA2; minus strand). Cytogenetic location: 16p12.2.
Variant type: Deletion.
Coding change: c.3425del on transcript NM_024675.4 (MANE Select); coding-DNA position 3425, one base deleted (T; older notation c.3425delT).
Protein change: p.Leu1142fs; shifts the reading frame from leucine 1142.
Molecular consequence: frameshift variant.
Genome position (GRCh38, 1-based): chr16:23,603,595, A deleted on the plus strand (T on the coding strand, the reverse complement: PALB2 is on the minus strand); the first of 2 consecutive A bases (chr16:23,603,595-23,603,596); deleting either gives the same sequence. VCF-style (leftmost placement, unchanged base first): chr16-23603594-TA-T. GRCh37 (hg19) VCF-style: chr16-23614915-TA-T.
Other names: c.3425delT (NM_024675.3); short protein forms L1142fs.
Identifiers: ClinVar variation 371840 (VCV000371840.17), dbSNP rs1057517563, ClinGen allele CA16042144.